The following is an entry in ClinVar:

ClinVar aggregate classification (germline): Uncertain significance (0 of 4 stars; one submission).

Conditions:
IFT74-related disorder. Also called: IFT74-related condition; IFT74-Related Disorders.

gnomAD v4.1: 5 of 1,612,658 alleles (0.00031%); highest among the groups gnomAD compares: South Asian, 0.0033%; no homozygotes.

Submission:

PreventionGenetics, part of Exact Sciences
Classification: Uncertain significance for IFT74-related condition. Last evaluated: 2024-03-15. Review status: no assertion criteria provided. Collection method: clinical testing. Allele origin: germline.
Comment: The IFT74 c.679C>A variant is predicted to result in the amino acid substitution p.Gln227Lys. To our knowledge, this variant has not been reported in the literature. This variant is reported in 0.0041% of alleles in individuals of African descent in gnomAD. At this time, the clinical significance of this variant is uncertain due to the absence of conclusive functional and genetic evidence.

NM_025103.4(IFT74):c.679C>A (p.Gln227Lys)

Gene: IFT74 (intraflagellar transport 74; plus strand). Cytogenetic location: 9p21.2.
Variant type: single nucleotide variant.
Coding change: c.679C>A on transcript NM_025103.4 (MANE Select); coding-DNA position 679, C replaced by A.
Protein change: p.Gln227Lys; replaces glutamine 227 with lysine.
Molecular consequence: missense variant.
Genome position (GRCh38, 1-based): chr9:27,009,111, C>A. VCF-style: chr9-27009111-C-A. GRCh37 (hg19) VCF-style: chr9-27009109-C-A.
Other names: c.679C>A, p.Gln227Lys (NM_001099222.3, NM_001099223.3, NM_001099224.3 and 1 more transcripts); short protein forms Q227K.
Identifiers: ClinVar variation 3350099 (VCV003350099.1).
Genomic context (GRCh38, chr9:27,009,111, plus strand): 5'-GAAATTGAACAGGAAAAACAAGCAACAGATGACATTATCAAAAATATGTCTTTTGAAAAC[C>A]AAGTCAAGTACCTAGAGATGAAAACCACAAATGAGAAACTGTTACAGGTAATACAAATTA-3'
Protein context (NP_079379.2, residues 217-237): DIIKNMSFEN[Gln227Lys]VKYLEMKTTN